The following is an entry in ClinVar:

ClinVar aggregate classification (germline): Uncertain significance (1 of 4 stars; one submission).

Allele frequency attached by ClinVar (database versions not stated): gnomAD 0.00001; gnomAD exomes 0.00001; TOPMed 0.00001.
gnomAD v4.1: 4 of 1,613,852 alleles (0.00025%); highest among the groups gnomAD compares: Non-Finnish European, 0.00034%; no homozygotes.

Submission:

CeGaT Center for Human Genetics Tuebingen
Classification: Uncertain significance. Last evaluated: 2022-11-01. Review status: criteria provided, single submitter. Criteria: CeGaT Center For Human Genetics Tuebingen Variant Classification Criteria Version 2. Collection method: clinical testing. Allele origin: germline. Affected: yes. Observed: 1 variant allele.
Comment: DSE: PM2

NM_013352.4(DSE):c.2510G>A (p.Arg837Lys)

Gene: DSE (dermatan sulfate epimerase; plus strand). Cytogenetic location: 6q22.1.
Variant type: single nucleotide variant.
Coding change: c.2510G>A on transcript NM_013352.4 (MANE Select); coding-DNA position 2510, G replaced by A.
Protein change: p.Arg837Lys; replaces arginine 837 with lysine.
Molecular consequence: missense variant. On other transcripts: 3 prime UTR variant (2), non-coding transcript variant (1).
Genome position (GRCh38, 1-based): chr6:116,436,978, G>A. VCF-style: chr6-116436978-G-A. GRCh37 (hg19) VCF-style: chr6-116758141-G-A.
Other names: c.2510G>A, p.Arg837Lys (NM_001080976.3, NM_001322937.2, NM_001322938.2); c.2567G>A, p.Arg856Lys (NM_001322939.2); c.1949G>A, p.Arg650Lys (NM_001322940.2, NM_001322941.2); c.*1375G>A (NM_001322943.2, NM_001322944.2); c.1511G>A, p.Arg504Lys (NM_001374520.1); c.1475G>A, p.Arg492Lys (NM_001374521.1); short protein forms R492K, R504K, R650K, R837K, R856K.
Identifiers: ClinVar variation 1879672 (VCV001879672.29), dbSNP rs1213224276, ClinGen allele CA365408133.